The following is an entry in ClinVar:

ClinVar aggregate classification (germline): Likely benign. Review status: criteria provided, multiple submitters, no conflicts (2 of 4 stars). 3 submissions from 3 submitters: Likely benign (2). 1 of the submissions does not count toward it. Last evaluated 2025-12-19.

Conditions:
Aicardi-Goutieres syndrome 7 (AGS7). Identifiers: Orphanet 51, MedGen C3888244, MONDO:0014367, OMIM 615846.
Singleton-Merten syndrome 1 (SGMRT1). Also called: Widened medullary cavities of bone, aortic calcification, abnormal dentition, and muscular weakness; Syndrome of widened medullary cavities of the metacarpals and phalanges, aortic calcification and abnormal dentition. Identifiers: Orphanet 85191, MedGen C4225427, MONDO:0024535, OMIM 182250.
Inborn genetic diseases. Identifiers: MedGen C0950123, MeSH D030342.
IFIH1-related disorder. Also called: IFIH1-related condition.

Allele frequency attached by ClinVar (database versions not stated): gnomAD 0.00001; TOPMed 0.00001; gnomAD exomes 0.00004 and 0.00007; ExAC 0.00007; ESP Exome Variant Server 0.00008.
gnomAD v4.1: 59 of 1,607,552 alleles (0.0037%); highest among the groups gnomAD compares: Middle Eastern, 0.033%; no homozygotes.

Submissions (3):

Labcorp Genetics (formerly Invitae), Labcorp
Classification: Likely benign for Aicardi-Goutieres syndrome 7; Singleton-Merten syndrome 1. Last evaluated: 2025-12-19. Review status: criteria provided, single submitter. Criteria: Invitae Variant Classification Sherloc (09022015). Collection method: clinical testing. Allele origin: germline.

Ambry Genetics
Classification: Likely benign for Inborn genetic diseases. Last evaluated: 2022-03-21. Review status: criteria provided, single submitter. Criteria: Ambry Variant Classification Scheme 2023. Collection method: clinical testing. Allele origin: germline.

PreventionGenetics, part of Exact Sciences
Classification: Uncertain significance for IFIH1-related condition. Last evaluated: 2024-04-10. Review status: no assertion criteria provided. Collection method: clinical testing. Allele origin: germline. Not counted in ClinVar's aggregate classification.
Comment: The IFIH1 c.2416C>T variant is predicted to result in the amino acid substitution p.Arg806Cys. To our knowledge, this variant has not been reported in the literature. This variant is reported in 0.037% of alleles in individuals of South Asian descent in gnomAD. At this time, the clinical significance of this variant is uncertain due to the absence of conclusive functional and genetic evidence.

NM_022168.4(IFIH1):c.2416C>T (p.Arg806Cys)

Gene: IFIH1 (interferon induced with helicase C domain 1; minus strand). Cytogenetic location: 2q24.2.
Variant type: single nucleotide variant.
Coding change: c.2416C>T on transcript NM_022168.4 (MANE Select); coding-DNA position 2416, C replaced by T.
Protein change: p.Arg806Cys; replaces arginine 806 with cysteine.
Molecular consequence: missense variant.
Genome position (GRCh38, 1-based): chr2:162,273,833, G>A on the plus strand (C>T on the coding strand, the complement: IFIH1 is on the minus strand). VCF-style: chr2-162273833-G-A. GRCh37 (hg19) VCF-style: chr2-163130343-G-A.
Other names: c.2416C>T (NM_022168.2); short protein forms R806C.
Identifiers: ClinVar variation 943161 (VCV000943161.9), dbSNP rs144341455, ClinGen allele CA1934202.